The following is an entry in ClinVar:

NM_000059.4(BRCA2):c.9227del (p.Gly3076fs)

Gene: BRCA2 (BRCA2 DNA repair associated; plus strand). Cytogenetic location: 13q13.1.
Variant type: Deletion.
Coding change: c.9227del on transcript NM_000059.4 (MANE Select); coding-DNA position 9227, one base deleted (G; older notation c.9227delG).
Protein change: p.Gly3076fs; shifts the reading frame from glycine 3076.
Molecular consequence: frameshift variant.
Genome position (GRCh38, 1-based): chr13:32,380,116, G deleted; the last of 2 consecutive G bases (chr13:32,380,115-32,380,116); deleting either gives the same sequence. VCF-style (leftmost placement, unchanged base first): chr13-32380114-AG-A. GRCh37 (hg19) VCF-style: chr13-32954251-AG-A.
Other names: c.9227delG (NM_000059.3).
Identifiers: ClinVar variation 52781 (VCV000052781.19), dbSNP rs397508040, ClinGen allele CA026039.

ClinVar aggregate classification (germline): Pathogenic. Review status: reviewed by expert panel (3 of 4 stars). 13 submissions from 13 submitters: Pathogenic (1). 12 of the submissions do not count toward it. Last evaluated 2016-09-08.

Conditions:
Hereditary cancer-predisposing syndrome. Also called: Neoplastic Syndromes, Hereditary; Tumor predisposition; Hereditary neoplastic syndrome; Hereditary Cancer Syndrome. Identifiers: Orphanet 140162, MedGen C0027672, MeSH D009386, MONDO:0015356.
Hereditary breast ovarian cancer syndrome. Also called: Hereditary breast and ovarian cancer syndrome; Hereditary breast and ovarian cancer; Hereditary breast and ovarian cancer syndrome (HBOC); Breast and ovarian cancer; Hereditary breast and/or ovarian cancer syndrome; BRCA1- and BRCA2-Associated Hereditary Breast and Ovarian Cancer. Identifiers: Orphanet 145, MedGen C0677776, MeSH D061325, MONDO:0003582. Disease mechanism: loss of function.
Breast-ovarian cancer, familial, susceptibility to, 2 (BROVCA2). Also called: BRCA2 Hereditary Breast and Ovarian Cancer. Identifiers: Orphanet 145, MedGen C2675520, MONDO:0012933, OMIM 612555. Disease mechanism: loss of function.

Submissions (13):

Evidence-based Network for the Interpretation of Germline Mutant Alleles (ENIGMA)
Classification: Pathogenic for Breast-ovarian cancer, familial, susceptibility to, 2. Last evaluated: 2016-09-08. Review status: reviewed by expert panel. Criteria: ENIGMA BRCA1/2 Classification Criteria (2015). Collection method: curation. Allele origin: germline.
Comment: Variant allele predicted to encode a truncated non-functional protein.

Labcorp Genetics (formerly Invitae), Labcorp
Classification: Pathogenic for Hereditary breast ovarian cancer syndrome. Last evaluated: 2024-12-19. Review status: criteria provided, single submitter. Criteria: Invitae Variant Classification Sherloc (09022015). Collection method: clinical testing. Allele origin: germline. Not counted in ClinVar's aggregate classification.
Comment: This sequence change creates a premature translational stop signal (p.Gly3076Aspfs*7) in the BRCA2 gene. It is expected to result in an absent or disrupted protein product. Loss-of-function variants in BRCA2 are known to be pathogenic (PMID: 20104584). This variant is not present in population databases (gnomAD no frequency). This premature translational stop signal has been observed in individual(s) with a personal and/or family history of breast and/or ovarian cancer (PMID: 16683254, 29566657). ClinVar contains an entry for this variant (Variation ID: 52781). For these reasons, this variant has been classified as Pathogenic.

Women's Health and Genetics/Laboratory Corporation of America, LabCorp
Classification: Pathogenic for Hereditary breast ovarian cancer syndrome. Last evaluated: 2023-08-22. Review status: criteria provided, single submitter. Criteria: LabCorp Variant Classification Summary - May 2015. Collection method: clinical testing. Allele origin: germline. Not counted in ClinVar's aggregate classification.
Comment: Variant summary: BRCA2 c.9227delG (p.Gly3076AspfsX7) results in a premature termination codon, predicted to cause a truncation of the encoded protein or absence of the protein due to nonsense mediated decay, which are commonly known mechanisms for disease. The variant was absent in 251090 control chromosomes. c.9227delG has been reported in the literature in association with Hereditary Breast And Ovarian Cancer Syndrome (e.g. Teixeira_2018). The following publication has been ascertained in the context of this evaluation (PMID: 29483665). Eight submitters have cited clinical-significance assessments for this variant to ClinVar after 2014. All submitters, including an expert panel, classified the variant as pathogenic. Based on the evidence outlined above, the variant was classified as pathogenic.

Color Diagnostics, LLC DBA Color Health
Classification: Pathogenic for Hereditary cancer-predisposing syndrome. Last evaluated: 2023-08-03. Review status: criteria provided, single submitter. Criteria: ACMG Guidelines, 2015. Collection method: clinical testing. Allele origin: germline. Not counted in ClinVar's aggregate classification.
Comment: This variant deletes 1 nucleotide in exon 24 of the BRCA2 gene, creating a frameshift and premature translation stop signal. This variant is expected to result in an absent or non-functional protein product. This variant has been reported in individuals with a personal and/or family history of breast or ovarian cancer (PMID: 16683254, 29483665, 29446198, 29566657, 33471991; Leiden Open Variation Database DB-ID BRCA2_001719). This variant has not been identified in the general population by the Genome Aggregation Database (gnomAD). Loss of BRCA2 function is a known mechanism of disease. Based on the available evidence, this variant is classified as Pathogenic.

Ambry Genetics
Classification: Pathogenic for Hereditary cancer-predisposing syndrome. Last evaluated: 2022-04-29. Review status: criteria provided, single submitter. Criteria: Ambry Variant Classification Scheme 2023. Collection method: clinical testing. Allele origin: germline. Not counted in ClinVar's aggregate classification.
Comment: The c.9227delG variant, located in coding exon 23 of the BRCA2 gene, results from a deletion of one nucleotide at nucleotide position 9227, causing a translational frameshift with a predicted alternate stop codon (p.G3076Dfs*7). This alteration has been detected in hereditary breast and ovarian cancer (HBOC) cohorts from multiple countries (Wang YA et al. BMC Cancer, 2018 03;18:315; Rebbeck TR et al. Hum Mutat, 2018 05;39:593-620; Heramb C et al. Hered Cancer Clin Pract, 2018 Jan;16:3; Teixeira N et al. Eur J Hum Genet, 2018 06;26:848-857). This variant is considered to be rare based on population cohorts in the Genome Aggregation Database (gnomAD). In addition to the clinical data presented in the literature, this alteration is expected to result in loss of function by premature protein truncation or nonsense-mediated mRNA decay. As such, this alteration is interpreted as a disease-causing mutation.

Quest Diagnostics Nichols Institute San Juan Capistrano
Classification: Pathogenic. Last evaluated: 2020-09-18. Review status: criteria provided, single submitter. Criteria: Quest Diagnostics criteria. Collection method: clinical testing. Allele origin: unknown. Not counted in ClinVar's aggregate classification.
Comment: This frameshift variant has been reported in a family with breast and/or ovarian cancer and in at least one individual with suspected familial breast cancer in the published literature (PMIDs: 16683254 (2006) and 29566657 (2018)). This variant has not been reported in large, multi-ethnic general populations. Therefore, the variant is classified as pathogenic.

Clinical Genetics and Genomics, Karolinska University Hospital
Classification: Pathogenic. Last evaluated: 2016-02-10. Review status: criteria provided, single submitter. Criteria: ACMG Guidelines, 2015. Collection method: clinical testing. Allele origin: germline. Affected: yes. Observed: 1 variant allele. Not counted in ClinVar's aggregate classification.

Consortium of Investigators of Modifiers of BRCA1/2 (CIMBA), c/o University of Cambridge
Classification: Pathogenic for Breast-ovarian cancer, familial, susceptibility to, 2. Last evaluated: 2015-10-02. Review status: criteria provided, single submitter. Criteria: CIMBA Mutation Classification guidelines May 2016. Collection method: clinical testing. Allele origin: germline. Not counted in ClinVar's aggregate classification.

Clinical Genetics DNA and cytogenetics Diagnostics Lab, Erasmus MC, Erasmus Medical Center
Classification: Pathogenic for Breast-ovarian cancer, familial, susceptibility to, 2. Last evaluated: 2015-09-21. Review status: criteria provided, single submitter. Criteria: ACGS Guidelines, 2013. Collection method: clinical testing. Allele origin: germline. Affected: yes. Study: VKGL Data-share Consensus. Not counted in ClinVar's aggregate classification.

Department of Medical Genetics, Oslo University Hospital
Classification: Pathogenic for Breast-ovarian cancer, familial, susceptibility to, 2. Last evaluated: 2015-07-01. Review status: criteria provided, single submitter. Criteria: ACMG Guidelines, 2015. Collection method: clinical testing. Allele origin: germline. Affected: yes. Observed: 2 variant alleles. Not counted in ClinVar's aggregate classification.

BRCAlab, Lund University
Classification: Pathogenic for Breast-ovarian cancer, familial, susceptibility to, 2. Last evaluated: 2020-03-02. Review status: no assertion criteria provided. Collection method: clinical testing. Allele origin: germline. Affected: yes. Not counted in ClinVar's aggregate classification.

Clinical Genetics Laboratory, Department of Pathology, Netherlands Cancer Institute
Classification: Pathogenic. Review status: no assertion criteria provided. Collection method: clinical testing. Allele origin: germline. Affected: yes. Study: VKGL Data-share Consensus. Not counted in ClinVar's aggregate classification.

Diagnostic Laboratory, Department of Genetics, University Medical Center Groningen
Classification: Pathogenic for Breast-ovarian cancer, familial, susceptibility to, 2. Review status: no assertion criteria provided. Collection method: clinical testing. Allele origin: germline. Affected: yes. Study: VKGL Data-share Consensus. Not counted in ClinVar's aggregate classification.

Literature cited by the submitters: PubMed 20104584 (cited by Labcorp Genetics (formerly Invitae), Labcorp); PubMed 16683254 (cited by 3 submitters); PubMed 29566657 (cited by 4 submitters); PubMed 29483665 (cited by 3 submitters); PubMed 29446198 (cited by 3 submitters); PubMed 33471991 (cited by Color Diagnostics, LLC DBA Color Health); PubMed 29339979 (cited by Ambry Genetics and Quest Diagnostics Nichols Institute San Juan Capistrano).